The following is an entry in ClinVar:

ClinVar aggregate classification (germline): Uncertain significance (1 of 4 stars; one submission).

Allele frequency attached by ClinVar (database versions not stated): gnomAD exomes below 0.00001.
gnomAD v4.1: 1 of 1,614,142 alleles (0.000062%); highest among the groups gnomAD compares: East Asian, 0.0022%; no homozygotes.

Submission:

Labcorp Genetics (formerly Invitae), Labcorp
Classification: Uncertain significance. Last evaluated: 2023-07-07. Review status: criteria provided, single submitter. Criteria: Invitae Variant Classification Sherloc (09022015). Collection method: clinical testing. Allele origin: germline.
Comment: This sequence change replaces phenylalanine, which is neutral and non-polar, with isoleucine, which is neutral and non-polar, at codon 381 of the ROR1 protein (p.Phe381Ile). This variant is not present in population databases (gnomAD no frequency). This variant has not been reported in the literature in individuals affected with ROR1-related conditions. Advanced modeling of protein sequence and biophysical properties (such as structural, functional, and spatial information, amino acid conservation, physicochemical variation, residue mobility, and thermodynamic stability) performed at Invitae indicates that this missense variant is not expected to disrupt ROR1 protein function. In summary, the available evidence is currently insufficient to determine the role of this variant in disease. Therefore, it has been classified as a Variant of Uncertain Significance.

NM_005012.4(ROR1):c.1141T>A (p.Phe381Ile)

Gene: ROR1 (receptor tyrosine kinase like orphan receptor 1; plus strand). Cytogenetic location: 1p31.3.
Variant type: single nucleotide variant.
Coding change: c.1141T>A on transcript NM_005012.4 (MANE Select); coding-DNA position 1141, T replaced by A.
Protein change: p.Phe381Ile; replaces phenylalanine 381 with isoleucine.
Molecular consequence: missense variant.
Genome position (GRCh38, 1-based): chr1:64,142,617, T>A. VCF-style: chr1-64142617-T-A. GRCh37 (hg19) VCF-style: chr1-64608300-T-A.
Other names: c.1141T>A, p.Phe381Ile (NM_001083592.2); short protein forms F381I.
Identifiers: ClinVar variation 2899792 (VCV002899792.3), dbSNP rs2525087147, ClinGen allele CA340650197.